The following is an entry in ClinVar:

ClinVar aggregate classification (germline): Likely benign (1 of 4 stars; one submission).

Allele frequency attached by ClinVar (database versions not stated): TOPMed 0.00036; gnomAD 0.00046; 1000 Genomes Project 0.00053; 1000 Genomes Project 30x 0.00062; gnomAD exomes 0.00063; ExAC 0.00076; ESP Exome Variant Server 0.00095.
gnomAD v4.1: 726 of 1,209,507 alleles (0.06%); highest among the groups gnomAD compares: Non-Finnish European, 0.077%; 1 homozygote.

Submission:

CeGaT Center for Human Genetics Tuebingen
Classification: Likely benign. Last evaluated: 2023-01-01. Review status: criteria provided, single submitter. Criteria: CeGaT Center For Human Genetics Tuebingen Variant Classification Criteria Version 2. Collection method: clinical testing. Allele origin: germline. Affected: yes. Observed: 1 variant allele.
Comment: ASB11: BS2

NM_080873.3(ASB11):c.494C>T (p.Ser165Leu)

Gene: ASB11 (ankyrin repeat and SOCS box containing 11; minus strand). Cytogenetic location: Xp22.2.
Variant type: single nucleotide variant.
Coding change: c.494C>T on transcript NM_080873.3 (MANE Select); coding-DNA position 494, C replaced by T.
Protein change: p.Ser165Leu; replaces serine 165 with leucine.
Molecular consequence: missense variant.
Genome position (GRCh38, 1-based): chrX:15,293,196, G>A on the plus strand (C>T on the coding strand, the complement: ASB11 is on the minus strand). VCF-style: chrX-15293196-G-A. GRCh37 (hg19) VCF-style: chrX-15311318-G-A.
Other names: c.431C>T, p.Ser144Leu (NM_001012428.2); c.443C>T, p.Ser148Leu (NM_001201583.2); short protein forms S144L, S148L, S165L.
Identifiers: ClinVar variation 2660047 (VCV002660047.24), dbSNP rs144572145, ClinGen allele CA10353888.
Genomic context (GRCh38, chrX:15,293,196, plus strand): 5'-CAATGTTTCACATGCATTGTGGTGGCTCATTTACCTCTCTTCACTGCCTCATGGATGGGC[G>A]AGGCCAGGTGCACCTCCAACTGGGCCTTGGCTCCGAACTCCAGCAGCACATTGACACATG-3'
Protein context (NP_543149.1, residues 155-175): AKAQLEVHLA[Ser165Leu]PIHEAVKRGH